The following is an entry in ClinVar:

ClinVar aggregate classification (germline): Uncertain significance. Review status: criteria provided, multiple submitters, no conflicts (2 of 4 stars). 2 submissions from 2 submitters: Uncertain significance (2). Last evaluated 2024-04-20.

Conditions:
Familial thoracic aortic aneurysm and aortic dissection (TAAD). Also called: Thoracic aortic aneurysms and dissections. Identifiers: Orphanet 91387, MedGen C4707243, MONDO:0019625.
Ehlers-Danlos syndrome, type 4 (EDSVASC). Also called: Ehlers-Danlos syndrome vascular type; Ehlers Danlos syndrome, ecchymotic type; Ehlers Danlos syndrome, arterial type; Ehlers Danlos syndrome, Sack-Barabas type; Ehlers-Danlos Syndrome Type IV. Identifiers: Orphanet 286, MedGen C0268338, MONDO:0017314, OMIM 130050.

Allele frequency attached by ClinVar (database versions not stated): ExAC below 0.00001.
gnomAD v4.1: 1 of 1,551,286 alleles (0.000064%); highest among the groups gnomAD compares: Non-Finnish European, 0.000087%; no homozygotes.

Submissions (2):

Labcorp Genetics (formerly Invitae), Labcorp
Classification: Uncertain significance for Ehlers-Danlos syndrome, type 4. Last evaluated: 2024-04-20. Review status: criteria provided, single submitter. Criteria: Invitae Variant Classification Sherloc (09022015). Collection method: clinical testing. Allele origin: germline.
Comment: This sequence change replaces proline, which is neutral and non-polar, with alanine, which is neutral and non-polar, at codon 844 of the COL3A1 protein (p.Pro844Ala). This variant is not present in population databases (gnomAD no frequency). This variant has not been reported in the literature in individuals affected with COL3A1-related conditions. ClinVar contains an entry for this variant (Variation ID: 629403). Advanced modeling of protein sequence and biophysical properties (such as structural, functional, and spatial information, amino acid conservation, physicochemical variation, residue mobility, and thermodynamic stability) performed at Invitae indicates that this missense variant is not expected to disrupt COL3A1 protein function with a negative predictive value of 95%. In summary, the available evidence is currently insufficient to determine the role of this variant in disease. Therefore, it has been classified as a Variant of Uncertain Significance.

Color Diagnostics, LLC DBA Color Health
Classification: Uncertain significance for Familial thoracic aortic aneurysm and aortic dissection. Last evaluated: 2024-03-06. Review status: criteria provided, single submitter. Criteria: ACMG Guidelines, 2015. Collection method: clinical testing. Allele origin: germline.
Comment: This missense variant replaces proline with alanine at codon 844 of the COL3A1 protein. Computational prediction suggests that this variant may not impact protein structure and function (internally defined REVEL score threshold <= 0.5, PMID: 27666373). To our knowledge, functional studies have not been reported for this variant. This variant has not been reported in individuals affected with cardiovascular disorders in the literature. This variant has not been identified in the general population by the Genome Aggregation Database (gnomAD). The available evidence is insufficient to determine the role of this variant in disease conclusively. Therefore, this variant is classified as a Variant of Uncertain Significance.

NM_000090.4(COL3A1):c.2530C>G (p.Pro844Ala)

Gene: COL3A1 (collagen type III alpha 1 chain; plus strand). Cytogenetic location: 2q32.2.
Variant type: single nucleotide variant.
Coding change: c.2530C>G on transcript NM_000090.4 (MANE Select); coding-DNA position 2530, C replaced by G.
Protein change: p.Pro844Ala; replaces proline 844 with alanine.
Molecular consequence: missense variant.
Genome position (GRCh38, 1-based): chr2:189,003,039, C>G. VCF-style: chr2-189003039-C-G. GRCh37 (hg19) VCF-style: chr2-189867765-C-G.
Other names: short protein forms P844A.
Identifiers: ClinVar variation 629403 (VCV000629403.8), dbSNP rs780490668, ClinGen allele CA075379.
Genomic context (GRCh38, chr2:189,003,039, plus strand): 5'-AAAGGAGAAAGAGGGGCTCCGGGTGAGAAAGGTGAAGGAGGCCCTCCTGGAGTTGCAGGA[C>G]CCCCTGGAGGTTCTGGACCTGCTGTAAGTTCCTTCCTCTTTCTCTGTCTATCTATCTATC-3'
Protein context (NP_000081.2, residues 834-854): GEGGPPGVAG[Pro844Ala]PGGSGPAGPP